The following is an entry in ClinVar:

NM_020779.4(WDR35):c.*2623T>C

Gene: WDR35 (WD repeat domain 35; minus strand). Cytogenetic location: 2p24.1.
Variant type: single nucleotide variant.
Coding change: c.*2623T>C on transcript NM_020779.4 (MANE Select); 2623 bases downstream of the stop codon, T replaced by C.
Molecular consequence: 3 prime UTR variant.
Genome position (GRCh38, 1-based): chr2:19,910,935, A>G on the plus strand (T>C on the coding strand, the complement: WDR35 is on the minus strand). VCF-style: chr2-19910935-A-G. GRCh37 (hg19) VCF-style: chr2-20110696-A-G.
Other names: c.*2623T>C (NM_001006657.2).
Identifiers: ClinVar variation 333331 (VCV000333331.6), dbSNP rs538967974, ClinGen allele CA10613417.

ClinVar aggregate classification (germline): Benign. Review status: criteria provided, multiple submitters, no conflicts (2 of 4 stars). 3 submissions from 2 submitters: Benign (3). Last evaluated 2018-01-12.

Conditions:
Short-rib thoracic dysplasia 7 with or without polydactyly (SRTD7). Also called: SHORT-RIB THORACIC DYSPLASIA 7 WITH POLYDACTYLY; Short rib polydactyly syndrome 5. Identifiers: Orphanet 498497, Orphanet 93271, MedGen C3279792, MONDO:0013569, OMIM 614091.
Cranioectodermal dysplasia 2 (CED2). Identifiers: Orphanet 1515, MedGen C3150874, MONDO:0013323, OMIM 613610.

Allele frequency attached by ClinVar (database versions not stated): gnomAD 0.00121 and 0.00223; TOPMed 0.00157; 1000 Genomes Project 30x 0.00547; 1000 Genomes Project 0.00619.

Submissions (3):

Illumina Laboratory Services, Illumina
Classification: Benign for Cranioectodermal dysplasia 2. Last evaluated: 2018-01-12. Review status: criteria provided, single submitter. Criteria: ICSL Variant Classification Criteria 13 December 2019. Collection method: clinical testing. Allele origin: germline.
Comment: This variant was observed in the ICSL laboratory as part of a predisposition screen in an ostensibly healthy population. It had not been previously curated by ICSL or reported in the Human Gene Mutation Database (HGMD: prior to June 1st, 2018), and was therefore a candidate for classification through an automated scoring system. Utilizing variant allele frequency, disease prevalence and penetrance estimates, and inheritance mode, an automated score was calculated to assess if this variant is too frequent to cause the disease. Based on the score and internal cut-off values, a variant classified as benign is not then subjected to further curation. The score for this variant resulted in a classification of benign for this disease.

Illumina Laboratory Services, Illumina
Classification: Benign for Short-rib thoracic dysplasia 7 with or without polydactyly. Last evaluated: 2018-01-12. Review status: criteria provided, single submitter. Criteria: ICSL Variant Classification Criteria 13 December 2019. Collection method: clinical testing. Allele origin: germline.
Comment: the same text as in the submission from Illumina Laboratory Services, Illumina above.

Breakthrough Genomics
Classification: Benign. Review status: criteria provided, single submitter. Criteria: ACMG Guidelines, 2015. Collection method: not provided. Allele origin: germline. Inheritance: Autosomal recessive inheritance. Affected: yes.